The following is an entry in ClinVar:

NM_005458.8(GABBR2):c.1036C>T (p.Arg346Trp)

Gene: GABBR2 (gamma-aminobutyric acid type B receptor subunit 2; minus strand). Cytogenetic location: 9q22.33.
Variant type: single nucleotide variant.
Coding change: c.1036C>T on transcript NM_005458.8 (MANE Select); coding-DNA position 1036, C replaced by T.
Protein change: p.Arg346Trp; replaces arginine 346 with tryptophan.
Molecular consequence: missense variant.
Genome position (GRCh38, 1-based): chr9:98,454,181, G>A on the plus strand (C>T on the coding strand, the complement: GABBR2 is on the minus strand). VCF-style: chr9-98454181-G-A. GRCh37 (hg19) VCF-style: chr9-101216463-G-A.
Other names: short protein forms R346W.
Identifiers: ClinVar variation 945009 (VCV000945009.7), dbSNP rs952504124, ClinGen allele CA197067429.

ClinVar aggregate classification (germline): Uncertain significance (1 of 4 stars; one submission).

Conditions:
Epileptic encephalopathy. Identifiers: MedGen C0543888, HP:0200134.

Allele frequency attached by ClinVar (database versions not stated): gnomAD exomes 0.00001; TOPMed 0.00002; gnomAD 0.00003 and 0.00004.
gnomAD v4.1: 19 of 1,613,696 alleles (0.0012%); highest among the groups gnomAD compares: African/African-American, 0.0053%; no homozygotes.

Submission:

Labcorp Genetics (formerly Invitae), Labcorp
Classification: Uncertain significance for Epileptic encephalopathy. Last evaluated: 2025-09-08. Review status: criteria provided, single submitter. Criteria: Invitae Variant Classification Sherloc (09022015). Collection method: clinical testing. Allele origin: germline.
Comment: This sequence change replaces arginine, which is basic and polar, with tryptophan, which is neutral and slightly polar, at codon 346 of the GABBR2 protein (p.Arg346Trp). This variant is present in population databases (no rsID available, gnomAD 0.02%). This variant has not been reported in the literature in individuals affected with GABBR2-related conditions. ClinVar contains an entry for this variant (Variation ID: 945009). Invitae Evidence Modeling of protein sequence and biophysical properties (such as structural, functional, and spatial information, amino acid conservation, physicochemical variation, residue mobility, and thermodynamic stability) indicates that this missense variant is expected to disrupt GABBR2 protein function with a positive predictive value of 80%. In summary, the available evidence is currently insufficient to determine the role of this variant in disease. Therefore, it has been classified as a Variant of Uncertain Significance.